The following is an entry in ClinVar:

ClinVar aggregate classification (germline): Uncertain significance (1 of 4 stars; one submission).

Conditions:
X-linked intellectual disability, Cantagrel type (XLID98). Also called: INTELLECTUAL DEVELOPMENTAL DISORDER, X-LINKED 98. Identifiers: Orphanet 85277, MedGen C3806730, MONDO:0010483, OMIM 300912.

Allele frequency attached by ClinVar (database versions not stated): gnomAD exomes below 0.00001.
gnomAD v4.1: 1 of 1,211,214 alleles (0.000083%); highest among the groups gnomAD compares: Non-Finnish European, 0.00011%; no homozygotes.

Submission:

Baylor Genetics
Classification: Uncertain significance for X-linked intellectual disability, Cantagrel type. Last evaluated: 2019-12-17. Review status: criteria provided, single submitter. Criteria: ACMG Guidelines, 2015. Collection method: clinical testing. Allele origin: unknown. Affected: yes.
Comment: This variant was determined to be of uncertain significance according to ACMG Guidelines, 2015 [PMID:25741868].

NM_001008537.3(NEXMIF):c.4271C>T (p.Ser1424Phe)

Gene: NEXMIF (neurite extension and migration factor; minus strand). Cytogenetic location: Xq13.3.
Variant type: single nucleotide variant.
Coding change: c.4271C>T on transcript NM_001008537.3 (MANE Select); coding-DNA position 4271, C replaced by T.
Protein change: p.Ser1424Phe; replaces serine 1424 with phenylalanine.
Molecular consequence: missense variant.
Genome position (GRCh38, 1-based): chrX:74,740,286, G>A on the plus strand (C>T on the coding strand, the complement: NEXMIF is on the minus strand). VCF-style: chrX-74740286-G-A. GRCh37 (hg19) VCF-style: chrX-73960121-G-A.
Other names: short protein forms S1424F.
Identifiers: ClinVar variation 1030947 (VCV001030947.1), dbSNP rs2080097689, ClinGen allele CA413663655.